The following is an entry in ClinVar:

ClinVar aggregate classification (germline): Pathogenic (1 of 4 stars; one submission).

Conditions:
Cerebral cavernous malformation (CCM). Also called: Cerebral cavernous hemangioma (type); CAVERNOUS ANGIOMA, FAMILIAL; CAVERNOUS ANGIOMATOUS MALFORMATIONS; CEREBRAL CAPILLARY MALFORMATIONS; Cavernous Hemangioma of Brain; Cerebral cavernous malformations. Identifiers: Orphanet 221061, MedGen C2919945, MONDO:0000820, OMIM 116860, HP:0033522.

Submission:

Labcorp Genetics (formerly Invitae), Labcorp
Classification: Pathogenic for Cerebral cavernous malformation. Last evaluated: 2024-04-25. Review status: criteria provided, single submitter. Criteria: Invitae Variant Classification Sherloc (09022015). Collection method: clinical testing. Allele origin: germline.
Comment: This sequence change affects a donor splice site in intron 16 of the KRIT1 gene. It is expected to disrupt RNA splicing. Variants that disrupt the donor or acceptor splice site typically lead to a loss of protein function (PMID: 16199547), and loss-of-function variants in KRIT1 are known to be pathogenic (PMID: 10508515, 11222804, 12404106, 24689081). This variant is not present in population databases (gnomAD no frequency). Disruption of this splice site has been observed in individuals with cerebral cavernous malformations (Invitae). ClinVar contains an entry for this variant (Variation ID: 1467740). Algorithms developed to predict the effect of sequence changes on RNA splicing suggest that this variant may disrupt the consensus splice site. For these reasons, this variant has been classified as Pathogenic.

Literature cited by the submitters: PubMed 16199547; PubMed 10508515; PubMed 11222804; PubMed 12404106; PubMed 24689081.

NM_194454.3(KRIT1):c.1730+1G>A

Gene: KRIT1 (KRIT1 ankyrin repeat containing; minus strand). Cytogenetic location: 7q21.2.
Variant type: single nucleotide variant.
Coding change: c.1730+1G>A on transcript NM_194454.3 (MANE Select); the canonical splice donor site of the intron after coding-DNA position 1730, G replaced by A.
Molecular consequence: splice donor variant.
Genome position (GRCh38, 1-based): chr7:92,214,610, C>T on the plus strand (G>A on the coding strand, the complement: KRIT1 is on the minus strand). VCF-style: chr7-92214610-C-T. GRCh37 (hg19) VCF-style: chr7-91843924-C-T.
Other names: c.1730+1G>A (NM_001350672.1, NM_001350676.1, NM_001350673.1 and 26 more transcripts); c.1586+1G>A (NM_001350669.1, NM_001013406.2, NM_001350670.1); c.1016+1G>A (NM_001350671.1).
Identifiers: ClinVar variation 1467740 (VCV001467740.6), dbSNP rs2131325903, ClinGen allele CA368141604.